The following is an entry in ClinVar:

ClinVar aggregate classification (germline): Uncertain significance. Review status: criteria provided, multiple submitters, no conflicts (2 of 4 stars). 2 submissions from 2 submitters: Uncertain significance (2). Last evaluated 2024-11-08.

Conditions:
Inborn genetic diseases. Identifiers: MedGen C0950123, MeSH D030342.
Combined immunodeficiency with skin granulomas. Identifiers: Orphanet 157949, MedGen C2673536, MONDO:0009306, OMIM 233650.
Severe combined immunodeficiency, autosomal recessive, T cell-negative, B cell-negative, NK cell-positive. Also called: SCID, AR, T-cell negative, B-cell negative, NK cell-positive; Severe combined immunodeficiency due to complete RAG1/2 deficiency; SCID, T CELL-NEGATIVE, B CELL-NEGATIVE, NK CELL-POSITIVE. Identifiers: Orphanet 331206, MedGen C1832322, MONDO:0011086, OMIM 601457.

Allele frequency attached by ClinVar (database versions not stated): TOPMed below 0.00001; gnomAD 0.00001; gnomAD exomes 0.00001; ExAC 0.00004.
gnomAD v4.1: 9 of 1,614,052 alleles (0.00056%); highest among the groups gnomAD compares: Admixed American, 0.012%; no homozygotes.

Submissions (2):

Ambry Genetics
Classification: Uncertain significance for Inborn genetic diseases. Last evaluated: 2024-11-08. Review status: criteria provided, single submitter. Criteria: Ambry Variant Classification Scheme 2023. Collection method: clinical testing. Allele origin: germline.

Labcorp Genetics (formerly Invitae), Labcorp
Classification: Uncertain significance for Combined immunodeficiency with skin granulomas; Severe combined immunodeficiency, autosomal recessive, T cell-negative, B cell-negative, NK cell-positive. Last evaluated: 2022-08-15. Review status: criteria provided, single submitter. Criteria: Invitae Variant Classification Sherloc (09022015). Collection method: clinical testing. Allele origin: germline.
Comment: This sequence change replaces glycine, which is neutral and non-polar, with arginine, which is basic and polar, at codon 373 of the RAG2 protein (p.Gly373Arg). This variant is present in population databases (rs774916204, gnomAD 0.02%). This variant has not been reported in the literature in individuals affected with RAG2-related conditions. Advanced modeling of protein sequence and biophysical properties (such as structural, functional, and spatial information, amino acid conservation, physicochemical variation, residue mobility, and thermodynamic stability) performed at Invitae indicates that this missense variant is expected to disrupt RAG2 protein function. In summary, the available evidence is currently insufficient to determine the role of this variant in disease. Therefore, it has been classified as a Variant of Uncertain Significance.

NM_000536.4(RAG2):c.1117G>A (p.Gly373Arg)

Gene: RAG2 (recombination activating 2; minus strand). Cytogenetic location: 11p12.
Variant type: single nucleotide variant.
Coding change: c.1117G>A on transcript NM_000536.4 (MANE Select); coding-DNA position 1117, G replaced by A.
Protein change: p.Gly373Arg; replaces glycine 373 with arginine.
Molecular consequence: missense variant.
Genome position (GRCh38, 1-based): chr11:36,593,052, C>T on the plus strand (G>A on the coding strand, the complement: RAG2 is on the minus strand). VCF-style: chr11-36593052-C-T. GRCh37 (hg19) VCF-style: chr11-36614602-C-T.
Other names: c.1117G>A (NM_000536.3); c.1117G>A, p.Gly373Arg (NM_001243785.2, NM_001243786.2); short protein forms G373R.
Identifiers: ClinVar variation 2039670 (VCV002039670.2), dbSNP rs774916204, ClinGen allele CA5950473.